The following is an entry in ClinVar:

NM_002691.4(POLD1):c.307C>G (p.His103Asp)

Gene: POLD1 (DNA polymerase delta 1, catalytic subunit; plus strand). Cytogenetic location: 19q13.33.
Variant type: single nucleotide variant.
Coding change: c.307C>G on transcript NM_002691.4 (MANE Select); coding-DNA position 307, C replaced by G.
Protein change: p.His103Asp; replaces histidine 103 with aspartic acid.
Molecular consequence: missense variant. On other transcripts: non-coding transcript variant (1).
Genome position (GRCh38, 1-based): chr19:50,399,475, C>G. VCF-style: chr19-50399475-C-G. GRCh37 (hg19) VCF-style: chr19-50902732-C-G.
Other names: c.307C>G, p.His103Asp (NM_001256849.1, NM_001308632.1); short protein forms H103D.
Identifiers: ClinVar variation 3667386 (VCV003667386.2).

ClinVar aggregate classification (germline): Uncertain significance (1 of 4 stars; one submission).

Conditions:
POLD1-related polyposis and colorectal cancer syndrome (CRCS10). Also called: Colorectal cancer 10; COLORECTAL CANCER, SUSCEPTIBILITY TO, ON CHROMOSOME 19q; Colorectal cancer, susceptibility to, 10. Identifiers: Orphanet 220460, MedGen C2675481, MONDO:0012953, OMIM 612591.

Submission:

Labcorp Genetics (formerly Invitae), Labcorp
Classification: Uncertain significance for POLD1-related polyposis and colorectal cancer syndrome. Last evaluated: 2024-10-29. Review status: criteria provided, single submitter. Criteria: Invitae Variant Classification Sherloc (09022015). Collection method: clinical testing. Allele origin: germline.
Comment: This sequence change replaces histidine, which is basic and polar, with aspartic acid, which is acidic and polar, at codon 103 of the POLD1 protein (p.His103Asp). This variant is not present in population databases (gnomAD no frequency). This variant has not been reported in the literature in individuals affected with POLD1-related conditions. Invitae Evidence Modeling of protein sequence and biophysical properties (such as structural, functional, and spatial information, amino acid conservation, physicochemical variation, residue mobility, and thermodynamic stability) indicates that this missense variant is not expected to disrupt POLD1 protein function with a negative predictive value of 80%. In summary, the available evidence is currently insufficient to determine the role of this variant in disease. Therefore, it has been classified as a Variant of Uncertain Significance.